The following is an entry in ClinVar:

ClinVar aggregate classification (germline): Uncertain significance. Review status: criteria provided, multiple submitters, no conflicts (2 of 4 stars). 2 submissions from 2 submitters: Uncertain significance (2). Last evaluated 2025-04-19.

Conditions:
Cardiovascular phenotype. Identifiers: MedGen CN230736.

Allele frequency attached by ClinVar (database versions not stated): gnomAD exomes below 0.00001.
gnomAD v4.1: 1 of 1,613,942 alleles (0.000062%); highest among the groups gnomAD compares: Non-Finnish European, 0.000085%; no homozygotes.

Submissions (2):

Ambry Genetics
Classification: Uncertain significance for Cardiovascular phenotype. Last evaluated: 2025-04-19. Review status: criteria provided, single submitter. Criteria: Ambry Variant Classification Scheme 2023. Collection method: clinical testing. Allele origin: germline.
Comment: The p.Y168D variant (also known as c.502T>G), located in coding exon 5 of the SPRED1 gene, results from a T to G substitution at nucleotide position 502. The tyrosine at codon 168 is replaced by aspartic acid, an amino acid with highly dissimilar properties. This amino acid position is conserved. In addition, the in silico prediction for this alteration is inconclusive. Based on the available evidence, the clinical significance of this variant remains unclear.

Women's Health and Genetics/Laboratory Corporation of America, LabCorp
Classification: Uncertain significance. Last evaluated: 2019-09-16. Review status: criteria provided, single submitter. Criteria: LabCorp Variant Classification Summary - May 2015. Collection method: clinical testing. Allele origin: germline.
Comment: Variant summary: SPRED1 c.502T>G (p.Tyr168Asp) results in a non-conservative amino acid change in the encoded protein sequence. Three of five in-silico tools predict a benign effect of the variant on protein function. The variant allele was found at a frequency of 4e-06 in 250968 control chromosomes (gnomAD). The available data on variant occurrences in the general population are insufficient to allow any conclusion about variant significance. To our knowledge, no occurrence of c.502T>G in individuals affected with Noonan Syndrome and Related Conditions and no experimental evidence demonstrating its impact on protein function have been reported. No clinical diagnostic laboratories have submitted clinical-significance assessments for this variant to ClinVar after 2014. Based on the evidence outlined above, the variant was classified as uncertain significance.

NM_152594.3(SPRED1):c.502T>G (p.Tyr168Asp)

Gene: SPRED1 (sprouty related EVH1 domain containing 1; plus strand). Cytogenetic location: 15q14.
Variant type: single nucleotide variant.
Coding change: c.502T>G on transcript NM_152594.3 (MANE Select); coding-DNA position 502, T replaced by G.
Protein change: p.Tyr168Asp; replaces tyrosine 168 with aspartic acid.
Molecular consequence: missense variant.
Genome position (GRCh38, 1-based): chr15:38,339,815, T>G. VCF-style: chr15-38339815-T-G. GRCh37 (hg19) VCF-style: chr15-38632016-T-G.
Other names: short protein forms Y168D.
Identifiers: ClinVar variation 928552 (VCV000928552.2), dbSNP rs1566872960, ClinGen allele CA391932572.